The following is an entry in ClinVar:

ClinVar aggregate classification (germline): Likely benign. Review status: criteria provided, multiple submitters, no conflicts (2 of 4 stars). 6 submissions from 6 submitters: Likely benign (6). Last evaluated 2025-12-17.

Conditions:
BRIP1-related disorder. Also called: BRIP1-related condition; BRIP1-related disorders. Identifiers: MedGen CN239206.
Hereditary cancer-predisposing syndrome. Also called: Neoplastic Syndromes, Hereditary; Tumor predisposition; Hereditary Cancer Syndrome; Hereditary neoplastic syndrome. Identifiers: Orphanet 140162, MedGen C0027672, MeSH D009386, MONDO:0015356.
Fanconi anemia complementation group J. Also called: BRIP1-Related Fanconi Anemia. Identifiers: Orphanet 84, MedGen C1836860, MONDO:0012187, OMIM 609054.
Familial cancer of breast. Also called: hereditary breast carcinoma; BREAST CANCER, FAMILIAL; Hereditary breast cancer. Identifiers: Orphanet 227535, MedGen C0346153, MONDO:0016419, OMIM 114480. Disease mechanism: loss of function.

Allele frequency attached by ClinVar (database versions not stated): gnomAD exomes below 0.00001; TOPMed 0.00001.
gnomAD v4.1: 5 of 1,611,342 alleles (0.00031%); highest among the groups gnomAD compares: South Asian, 0.0011%; no homozygotes.

Submissions (6):

Labcorp Genetics (formerly Invitae), Labcorp
Classification: Likely benign for Familial cancer of breast; Fanconi anemia complementation group J. Last evaluated: 2025-12-17. Review status: criteria provided, single submitter. Criteria: Invitae Variant Classification Sherloc (09022015). Collection method: clinical testing. Allele origin: germline.

PreventionGenetics, part of Exact Sciences
Classification: Likely benign for BRIP1-related condition. Last evaluated: 2024-12-12. Review status: criteria provided, single submitter. Criteria: ACMG Guidelines, 2015. Collection method: clinical testing. Allele origin: germline.
Comment: This variant is classified as likely benign based on ACMG/AMP sequence variant interpretation guidelines (Richards et al. 2015 PMID: 25741868, with internal and published modifications).

Myriad Genetics, Inc.
Classification: Likely benign for Familial cancer of breast. Last evaluated: 2024-08-22. Review status: criteria provided, single submitter. Criteria: Myriad Autosomal Dominant, Autosomal Recessive and X-Linked Classification Criteria (2023). Collection method: clinical testing. Allele origin: unknown.
Comment: This variant is considered likely benign. This variant is a silent/synonymous amino acid change and it is not expected to impact splicing.

Ambry Genetics
Classification: Likely benign for Hereditary cancer-predisposing syndrome. Last evaluated: 2020-11-20. Review status: criteria provided, single submitter. Criteria: Ambry Variant Classification Scheme 2023. Collection method: clinical testing. Allele origin: germline.

Color Diagnostics, LLC DBA Color Health
Classification: Likely benign for Hereditary cancer-predisposing syndrome. Last evaluated: 2020-03-02. Review status: criteria provided, single submitter. Criteria: ACMG Guidelines, 2015. Collection method: clinical testing. Allele origin: germline.

GeneDx
Classification: Likely benign. Last evaluated: 2018-04-16. Review status: criteria provided, single submitter. Criteria: GeneDx Variant Classification (06012015). Collection method: clinical testing. Allele origin: germline. Affected: yes.
Comment: This variant is considered likely benign or benign based on one or more of the following criteria: it is a conservative change, it occurs at a poorly conserved position in the protein, it is predicted to be benign by multiple in silico algorithms, and/or has population frequency not consistent with disease.

NM_032043.3(BRIP1):c.918C>T (p.Asn306=)

Gene: BRIP1 (BRCA1 interacting DNA helicase 1; minus strand). Cytogenetic location: 17q23.2.
Variant type: single nucleotide variant.
Coding change: c.918C>T on transcript NM_032043.3 (MANE Select); coding-DNA position 918, C replaced by T.
Protein change: p.Asn306=; no amino-acid change (asparagine 306 retained).
Molecular consequence: synonymous variant.
Genome position (GRCh38, 1-based): chr17:61,808,467, G>A on the plus strand (C>T on the coding strand, the complement: BRIP1 is on the minus strand). VCF-style: chr17-61808467-G-A. GRCh37 (hg19) VCF-style: chr17-59885828-G-A.
Identifiers: ClinVar variation 233905 (VCV000233905.21), dbSNP rs876660724, ClinGen allele CA10580851.
Genomic context (GRCh38, chr17:61,808,467, plus strand): 5'-CTGAGTAATTTAAATATTTTCAGCCTTATTTTTTCTCTAACACAAAATAACTTTACTCAC[G>A]TTTTTCCCATCTAGCAATTCCATGCACTTCTCATTTCTGTTGAAGTTACCGACTACCTCA-3'
Protein context (NP_114432.2, residues 296-316): EKCMELLDGK[Asn306=]GKSCYFYHGV